The following is an entry in ClinVar:

ClinVar aggregate classification (germline): Uncertain significance. Review status: criteria provided, multiple submitters, no conflicts (2 of 4 stars). 3 submissions from 3 submitters: Uncertain significance (2). 1 of the submissions does not count toward it. Last evaluated 2024-12-07.

Conditions:
LIMS2-related disorder. Also called: LIMS2-related condition.
Autosomal recessive limb-girdle muscular dystrophy type 2W (MDRCMTT). Also called: Muscular dystrophy, limb-girdle, type 2W; Muscular dystrophy, autosomal recessive, with cardiomyopathy and triangular tongue. Identifiers: MedGen C4225192, MONDO:0014788, OMIM 616827.

Allele frequency attached by ClinVar (database versions not stated): gnomAD 0.00003; gnomAD exomes 0.00003 and 0.00002; ExAC 0.00003; TOPMed 0.00004; ESP Exome Variant Server 0.00008.
gnomAD v4.1: 38 of 1,572,776 alleles (0.0024%); highest among the groups gnomAD compares: Non-Finnish European, 0.0031%; no homozygotes.

Submissions (3):

Ambry Genetics
Classification: Uncertain significance. Last evaluated: 2024-12-07. Review status: criteria provided, single submitter. Criteria: Ambry Variant Classification Scheme 2023. Collection method: clinical testing. Allele origin: germline.

Labcorp Genetics (formerly Invitae), Labcorp
Classification: Uncertain significance for Autosomal recessive limb-girdle muscular dystrophy type 2W. Last evaluated: 2021-01-15. Review status: criteria provided, single submitter. Criteria: Invitae Variant Classification Sherloc (09022015). Collection method: clinical testing. Allele origin: germline.
Comment: In summary, the available evidence is currently insufficient to determine the role of this variant in disease. Therefore, it has been classified as a Variant of Uncertain Significance. Algorithms developed to predict the effect of missense changes on protein structure and function are either unavailable or do not agree on the potential impact of this missense change (SIFT: "Tolerated"; PolyPhen-2: "Probably Damaging"; Align-GVGD: "Class C0"). This variant has not been reported in the literature in individuals with LIMS2-related disease. This variant is present in population databases (rs144449664, ExAC 0.006%). This sequence change replaces glutamic acid with lysine at codon 203 of the LIMS2 protein (p.Glu203Lys). The glutamic acid residue is highly conserved and there is a small physicochemical difference between glutamic acid and lysine.

PreventionGenetics, part of Exact Sciences
Classification: Uncertain significance for LIMS2-related condition. Last evaluated: 2024-03-11. Review status: no assertion criteria provided. Collection method: clinical testing. Allele origin: germline. Not counted in ClinVar's aggregate classification.
Comment: The LIMS2 c.607G>A variant is predicted to result in the amino acid substitution p.Glu203Lys. To our knowledge, this variant has not been reported in the literature. This variant is reported in 0.0072% of alleles in individuals of European (Non-Finnish) descent in gnomAD. At this time, the clinical significance of this variant is uncertain due to the absence of conclusive functional and genetic evidence.

NM_001161403.3(LIMS2):c.535G>A (p.Glu179Lys)

Gene: LIMS2 (LIM zinc finger domain containing 2; minus strand). Cytogenetic location: 2q14.3.
Variant type: single nucleotide variant.
Coding change: c.535G>A on transcript NM_001161403.3 (MANE Select); coding-DNA position 535, G replaced by A.
Protein change: p.Glu179Lys; replaces glutamic acid 179 with lysine.
Molecular consequence: missense variant.
Genome position (GRCh38, 1-based): chr2:127,642,174, C>T on the plus strand (G>A on the coding strand, the complement: LIMS2 is on the minus strand). VCF-style: chr2-127642174-C-T. GRCh37 (hg19) VCF-style: chr2-128399749-C-T.
Other names: c.601G>A, p.Glu201Lys (NM_001136037.4); c.520G>A, p.Glu174Lys (NM_001161404.2); c.79G>A, p.Glu27Lys (NM_001256542.2); c.607G>A, p.Glu203Lys (NM_017980.5); short protein forms E174K, E27K, E201K, E203K, E179K.
Identifiers: ClinVar variation 663908 (VCV000663908.13), dbSNP rs144449664, ClinGen allele CA1863013.